The following is an entry in ClinVar:

NM_004855.5(PIGB):c.1367T>C (p.Phe456Ser)

Gene: PIGB (phosphatidylinositol glycan anchor biosynthesis class B; plus strand). Cytogenetic location: 15q21.3.
Variant type: single nucleotide variant.
Coding change: c.1367T>C on transcript NM_004855.5 (MANE Select); coding-DNA position 1367, T replaced by C.
Protein change: p.Phe456Ser; replaces phenylalanine 456 with serine.
Molecular consequence: missense variant.
Genome position (GRCh38, 1-based): chr15:55,354,827, T>C. VCF-style: chr15-55354827-T-C. GRCh37 (hg19) VCF-style: chr15-55647025-T-C.
Other names: short protein forms F456S.
Identifiers: ClinVar variation 1491277 (VCV001491277.3), dbSNP rs2056036751, ClinGen allele CA392543941.

ClinVar aggregate classification (germline): Uncertain significance (1 of 4 stars; one submission).

Submission:

Labcorp Genetics (formerly Invitae), Labcorp
Classification: Uncertain significance. Last evaluated: 2022-05-16. Review status: criteria provided, single submitter. Criteria: Invitae Variant Classification Sherloc (09022015). Collection method: clinical testing. Allele origin: germline.
Comment: This sequence change replaces phenylalanine, which is neutral and non-polar, with serine, which is neutral and polar, at codon 456 of the PIGB protein (p.Phe456Ser). This variant is not present in population databases (gnomAD no frequency). This variant has not been reported in the literature in individuals affected with PIGB-related conditions. Algorithms developed to predict the effect of missense changes on protein structure and function are either unavailable or do not agree on the potential impact of this missense change (SIFT: "Tolerated"; PolyPhen-2: "Probably Damaging"; Align-GVGD: "Class C0"). In summary, the available evidence is currently insufficient to determine the role of this variant in disease. Therefore, it has been classified as a Variant of Uncertain Significance.